The following is an entry in ClinVar:

ClinVar aggregate classification (germline): Likely pathogenic (1 of 4 stars; one submission).

gnomAD v4.1: 3 of 1,614,026 alleles (0.00019%); highest among the groups gnomAD compares: Admixed American, 0.0017%; no homozygotes.

Submission:

GeneDx
Classification: Likely pathogenic. Last evaluated: 2024-01-16. Review status: criteria provided, single submitter. Criteria: GeneDx Variant Classification Process June 2021. Collection method: clinical testing. Allele origin: germline. Affected: yes.
Comment: Published functional studies suggest a damaging effect resulting in predominantly unprocessed proreceptors which generally do not reach the cell surface (PMID: 12970295); Not observed at significant frequency in large population cohorts (gnomAD); In silico analysis supports that this missense variant has a deleterious effect on protein structure/function; This variant is associated with the following publications: (PMID: 8530617, 12970295)

NM_000208.4(INSR):c.836G>A (p.Arg279His)

Gene: INSR (insulin receptor; minus strand). Cytogenetic location: 19p13.2.
Variant type: single nucleotide variant.
Coding change: c.836G>A on transcript NM_000208.4 (MANE Select); coding-DNA position 836, G replaced by A.
Protein change: p.Arg279His; replaces arginine 279 with histidine.
Molecular consequence: missense variant.
Genome position (GRCh38, 1-based): chr19:7,184,454, C>T on the plus strand (G>A on the coding strand, the complement: INSR is on the minus strand). VCF-style: chr19-7184454-C-T. GRCh37 (hg19) VCF-style: chr19-7184465-C-T.
Other names: c.836G>A, p.Arg279His (NM_001079817.3); short protein forms R279H.
Identifiers: ClinVar variation 3340166 (VCV003340166.1).
Genomic context (GRCh38, chr19:7,184,454, plus strand): 5'-TGCCTCCGCGAGTTCTTGCATTTGTGGTGCAGGTCCTGGCAGAAGCTGAAGTTCACACAG[C>T]GCCAGTCCTGGAAGTGGTAGTACGGGGGCGGGCAGGTCTCCACACACCTGCCGTCCAGGT-3'
Protein context (NP_000199.2, residues 269-289): PPPYYHFQDW[Arg279His]CVNFSFCQDL